The following is an entry in ClinVar:

ClinVar aggregate classification (germline): Uncertain significance (1 of 4 stars; one submission).

Submission:

Labcorp Genetics (formerly Invitae), Labcorp
Classification: Uncertain significance. Last evaluated: 2023-11-02. Review status: criteria provided, single submitter. Criteria: Invitae Variant Classification Sherloc (09022015). Collection method: clinical testing. Allele origin: unknown.
Comment: This variant results in a copy number gain of the genomic region encompassing exon(s) 2-4 of the BMPER gene. This region includes the initiator codon of the gene. This copy number gain extends beyond the assayed region for this gene and therefore may encompass additional genes. As the precise location of this event is unknown, it may be in tandem or it may be located elsewhere in the genome. This variant has not been reported in the literature in individuals affected with BMPER-related conditions. Experimental studies and prediction algorithms are not available or were not evaluated, and the functional significance of this variant is currently unknown. In summary, the available evidence is currently insufficient to determine the role of this variant in disease. Therefore, it has been classified as a Variant of Uncertain Significance.

NC_000007.13:g.(?_33945226)_(33977020_?)dup

Gene: BMPER (BMP binding endothelial regulator; plus strand). Cytogenetic location: 7p14.3.
Variant type: Duplication.
Identifiers: ClinVar variation 3245933 (VCV003245933.1).